The following is an entry in ClinVar:

NM_000260.4(MYO7A):c.1402C>T (p.His468Tyr)

Gene: MYO7A (myosin VIIA; plus strand). Cytogenetic location: 11q13.5.
Variant type: single nucleotide variant.
Coding change: c.1402C>T on transcript NM_000260.4 (MANE Select); coding-DNA position 1402, C replaced by T.
Protein change: p.His468Tyr; replaces histidine 468 with tyrosine.
Molecular consequence: missense variant.
Genome position (GRCh38, 1-based): chr11:77,162,178, C>T. VCF-style: chr11-77162178-C-T. GRCh37 (hg19) VCF-style: chr11-76873224-C-T.
Other names: c.1369C>T, p.His457Tyr (NM_001369365.1); c.1402C>T, p.His468Tyr (NM_001127180.2); short protein forms H457Y, H468Y.
Identifiers: ClinVar variation 3361662 (VCV003361662.3).

ClinVar aggregate classification (germline): Uncertain significance. Review status: criteria provided, multiple submitters, no conflicts (2 of 4 stars). 2 submissions from 2 submitters: Uncertain significance (2). Last evaluated 2024-05-15.

Submissions (2):

Labcorp Genetics (formerly Invitae), Labcorp
Classification: Uncertain significance. Last evaluated: 2024-05-15. Review status: criteria provided, single submitter. Criteria: Invitae Variant Classification Sherloc (09022015). Collection method: clinical testing. Allele origin: germline.
Comment: This sequence change replaces histidine, which is basic and polar, with tyrosine, which is neutral and polar, at codon 468 of the MYO7A protein (p.His468Tyr). This variant is not present in population databases (gnomAD no frequency). This variant has not been reported in the literature in individuals affected with MYO7A-related conditions. Advanced modeling of protein sequence and biophysical properties (such as structural, functional, and spatial information, amino acid conservation, physicochemical variation, residue mobility, and thermodynamic stability) performed at Invitae indicates that this missense variant is not expected to disrupt MYO7A protein function with a negative predictive value of 95%. In summary, the available evidence is currently insufficient to determine the role of this variant in disease. Therefore, it has been classified as a Variant of Uncertain Significance.

GeneDx
Classification: Uncertain significance. Last evaluated: 2023-07-26. Review status: criteria provided, single submitter. Criteria: GeneDx Variant Classification Process June 2021. Collection method: clinical testing. Allele origin: germline. Affected: yes.
Comment: Not observed at significant frequency in large population cohorts (gnomAD); In silico analysis supports that this missense variant has a deleterious effect on protein structure/function; Has not been previously published as pathogenic or benign to our knowledge